The following is an entry in ClinVar:

ClinVar aggregate classification (germline): Uncertain significance (1 of 4 stars; one submission).

Submission:

Labcorp Genetics (formerly Invitae), Labcorp
Classification: Uncertain significance. Last evaluated: 2024-07-06. Review status: criteria provided, single submitter. Criteria: Invitae Variant Classification Sherloc (09022015). Collection method: clinical testing. Allele origin: germline.
Comment: This sequence change replaces leucine, which is neutral and non-polar, with proline, which is neutral and non-polar, at codon 1538 of the HIVEP2 protein (p.Leu1538Pro). This variant is present in population databases (no rsID available, gnomAD 0.0007%). This variant has not been reported in the literature in individuals affected with HIVEP2-related conditions. An algorithm developed to predict the effect of missense changes on protein structure and function (PolyPhen-2) suggests that this variant is likely to be tolerated. In summary, the available evidence is currently insufficient to determine the role of this variant in disease. Therefore, it has been classified as a Variant of Uncertain Significance.

NM_006734.4(HIVEP2):c.4613_4614inv (p.Leu1538Pro)

Gene: HIVEP2 (HIVEP zinc finger 2; minus strand). Cytogenetic location: 6q24.2.
Variant type: Inversion.
Coding change: c.4613_4614inv on transcript NM_006734.4 (MANE Select).
Protein change: p.Leu1538Pro; replaces leucine 1538 with proline.
Molecular consequence: missense variant.
Genome position: GRCh38 VCF-style: chr6-142770125-CA-TG. GRCh37 (hg19) VCF-style: chr6-143091262-CA-TG.
Other names: short protein forms L1538P.
Identifiers: ClinVar variation 3684379 (VCV003684379.2).